The following is an entry in ClinVar:

ClinVar aggregate classification (germline): Likely benign. Review status: criteria provided, multiple submitters, no conflicts (2 of 4 stars). 3 submissions from 3 submitters: Likely benign (3). Last evaluated 2025-09-14.

Conditions:
Cardiovascular phenotype. Identifiers: MedGen CN230736.
Dilated cardiomyopathy 1G (CMD1G). Identifiers: Orphanet 154, MedGen C1858763, MONDO:0011400, OMIM 604145.
Autosomal recessive limb-girdle muscular dystrophy type 2J (LGMDR10). Also called: MUSCULAR DYSTROPHY, LIMB-GIRDLE, AUTOSOMAL RECESSIVE 10; Limb-girdle muscular dystrophy, type 2J. Identifiers: Orphanet 140922, MedGen C1837342, MONDO:0012127, OMIM 608807.

Allele frequency attached by ClinVar (database versions not stated): TOPMed 0.00001.
gnomAD v4.1: 2 of 1,614,142 alleles (0.00012%); no homozygotes.

Submissions (3):

Labcorp Genetics (formerly Invitae), Labcorp
Classification: Likely benign for Dilated cardiomyopathy 1G; Autosomal recessive limb-girdle muscular dystrophy type 2J. Last evaluated: 2025-09-14. Review status: criteria provided, single submitter. Criteria: Invitae Variant Classification Sherloc (09022015). Collection method: clinical testing. Allele origin: germline.

CeGaT Center for Human Genetics Tuebingen
Classification: Likely benign. Last evaluated: 2023-03-01. Review status: criteria provided, single submitter. Criteria: CeGaT Center For Human Genetics Tuebingen Variant Classification Criteria Version 2. Collection method: clinical testing. Allele origin: germline. Affected: yes. Observed: 1 variant allele.
Comment: TTN: PM2:Supporting, BP4, BP7

Ambry Genetics
Classification: Likely benign for Cardiovascular phenotype. Last evaluated: 2020-12-09. Review status: criteria provided, single submitter. Criteria: Ambry Variant Classification Scheme 2023. Collection method: clinical testing. Allele origin: germline.

NM_001267550.2(TTN):c.8727T>C (p.Asn2909=)

Gene: TTN (titin; minus strand). Cytogenetic location: 2q31.2.
Variant type: single nucleotide variant.
Coding change: c.8727T>C on transcript NM_001267550.2 (MANE Select); coding-DNA position 8727, T replaced by C.
Protein change: p.Asn2909=; no amino-acid change (asparagine 2909 retained).
Molecular consequence: synonymous variant.
Genome position (GRCh38, 1-based): chr2:178,769,854, A>G on the plus strand (T>C on the coding strand, the complement: TTN is on the minus strand). VCF-style: chr2-178769854-A-G. GRCh37 (hg19) VCF-style: chr2-179634581-A-G.
Other names: c.8727T>C, p.Asn2909= (NM_001256850.1, NM_133378.4, NM_133379.5); c.8589T>C, p.Asn2863= (NM_003319.4, NM_133432.3, NM_133437.4).
Identifiers: ClinVar variation 1151176 (VCV001151176.35), dbSNP rs2091209780, ClinGen allele CA430298694.